The following is an entry in ClinVar:

ClinVar aggregate classification (germline): Uncertain significance (1 of 4 stars; one submission).

Allele frequency attached by ClinVar (database versions not stated): gnomAD 0.00004 and 0.00005; TOPMed 0.00004; 1000 Genomes Project 30x 0.00016; 1000 Genomes Project 0.00020.
gnomAD v4.1: 44 of 1,612,378 alleles (0.0027%); highest among the groups gnomAD compares: African/African-American, 0.0093%; no homozygotes.

Submission:

Labcorp Genetics (formerly Invitae), Labcorp
Classification: Uncertain significance. Last evaluated: 2025-10-28. Review status: criteria provided, single submitter. Criteria: Invitae Variant Classification Sherloc (09022015). Collection method: clinical testing. Allele origin: germline.
Comment: This sequence change replaces arginine, which is basic and polar, with tryptophan, which is neutral and slightly polar, at codon 373 of the RNF13 protein (p.Arg373Trp). This variant is present in population databases (rs575462208, gnomAD 0.004%). This variant has not been reported in the literature in individuals affected with RNF13-related conditions. ClinVar contains an entry for this variant (Variation ID: 1416987). An algorithm developed to predict the effect of missense changes on protein structure and function outputs the following: PolyPhen-2: "Benign". The tryptophan amino acid residue is found in multiple mammalian species, which suggests that this missense change does not adversely affect protein function. Algorithms developed to predict the effect of sequence changes on RNA splicing suggest that this variant may create or strengthen a splice site. In summary, the available evidence is currently insufficient to determine the role of this variant in disease. Therefore, it has been classified as a Variant of Uncertain Significance.

NM_183381.3(RNF13):c.1117C>T (p.Arg373Trp)

Gene: RNF13 (ring finger protein 13; plus strand). Cytogenetic location: 3q25.1.
Variant type: single nucleotide variant.
Coding change: c.1117C>T on transcript NM_183381.3 (MANE Select); coding-DNA position 1117, C replaced by T.
Protein change: p.Arg373Trp; replaces arginine 373 with tryptophan.
Molecular consequence: missense variant. On other transcripts: non-coding transcript variant (1).
Genome position (GRCh38, 1-based): chr3:149,961,075, C>T. VCF-style: chr3-149961075-C-T. GRCh37 (hg19) VCF-style: chr3-149678862-C-T.
Other names: c.1117C>T, p.Arg373Trp (NM_001378285.1, NM_001378286.1, NM_007282.4); c.760C>T, p.Arg254Trp (NM_001378287.1, NM_001378288.1, NM_001378289.1 and 2 more transcripts); c.724C>T, p.Arg242Trp (NM_001378291.1); short protein forms R254W, R242W, R373W.
Identifiers: ClinVar variation 1416987 (VCV001416987.8), dbSNP rs575462208, ClinGen allele CA2663166.